The following is an entry in ClinVar:

NM_031229.4(RBCK1):c.710G>C (p.Arg237Pro)

Gene: RBCK1 (RANBP2-type and C3HC4-type zinc finger containing 1; plus strand). Cytogenetic location: 20p13.
Variant type: single nucleotide variant.
Coding change: c.710G>C on transcript NM_031229.4 (MANE Select); coding-DNA position 710, G replaced by C.
Protein change: p.Arg237Pro; replaces arginine 237 with proline.
Molecular consequence: missense variant. On other transcripts: non-coding transcript variant (1).
Genome position (GRCh38, 1-based): chr20:419,685, G>C. VCF-style: chr20-419685-G-C. GRCh37 (hg19) VCF-style: chr20-400329-G-C.
Other names: c.361G>C, p.Glu121Gln (NM_001323956.2, NM_001323958.2); c.584G>C, p.Arg195Pro (NM_006462.6); short protein forms E121Q, R195P, R237P.
Identifiers: ClinVar variation 1403004 (VCV001403004.5), dbSNP rs770302308, ClinGen allele CA9723159.

ClinVar aggregate classification (germline): Uncertain significance (1 of 4 stars; one submission).

Conditions:
Polyglucosan body myopathy type 1 (PGBM1). Also called: Polyglucosan body myopathy 1 with or without immunodeficiency; POLYGLUCOSAN BODY MYOPATHY WITHOUT IMMUNODEFICIENCY. Identifiers: Orphanet 329173, Orphanet 397937, MedGen C4014605, MONDO:0014389, OMIM 615895.

Allele frequency attached by ClinVar (database versions not stated): TOPMed below 0.00001; gnomAD exomes 0.00001; ExAC 0.00003.
gnomAD v4.1: 3 of 1,576,950 alleles (0.00019%); highest among the groups gnomAD compares: East Asian, 0.0023%; no homozygotes.

Submission:

Labcorp Genetics (formerly Invitae), Labcorp
Classification: Uncertain significance for Polyglucosan body myopathy type 1. Last evaluated: 2022-08-19. Review status: criteria provided, single submitter. Criteria: Invitae Variant Classification Sherloc (09022015). Collection method: clinical testing. Allele origin: germline.
Comment: This sequence change replaces arginine, which is basic and polar, with proline, which is neutral and non-polar, at codon 237 of the RBCK1 protein (p.Arg237Pro). This variant is present in population databases (rs770302308, gnomAD 0.007%). This variant has not been reported in the literature in individuals affected with RBCK1-related conditions. ClinVar contains an entry for this variant (Variation ID: 1403004). Algorithms developed to predict the effect of missense changes on protein structure and function are either unavailable or do not agree on the potential impact of this missense change (SIFT: "Not Available"; PolyPhen-2: "Benign"; Align-GVGD: "Not Available"). In summary, the available evidence is currently insufficient to determine the role of this variant in disease. Therefore, it has been classified as a Variant of Uncertain Significance.